The following is an entry in ClinVar:

NM_014009.4(FOXP3):c.607G>A (p.Gly203Arg)

Gene: FOXP3 (forkhead box P3; minus strand). Cytogenetic location: Xp11.23.
Variant type: single nucleotide variant.
Coding change: c.607G>A on transcript NM_014009.4 (MANE Select); coding-DNA position 607, G replaced by A.
Protein change: p.Gly203Arg; replaces glycine 203 with arginine.
Molecular consequence: missense variant.
Genome position (GRCh38, 1-based): chrX:49,256,791, C>T on the plus strand (G>A on the coding strand, the complement: FOXP3 is on the minus strand). VCF-style: chrX-49256791-C-T. GRCh37 (hg19) VCF-style: chrX-49113248-C-T.
Other names: c.502G>A, p.Gly168Arg (NM_001114377.2); short protein forms G203R, G168R.
Identifiers: ClinVar variation 2893565 (VCV002893565.3), dbSNP rs782259487, ClinGen allele CA10411775.

ClinVar aggregate classification (germline): Uncertain significance (1 of 4 stars; one submission).

Conditions:
Insulin-dependent diabetes mellitus secretory diarrhea syndrome (IPEX). Also called: IMMUNODEFICIENCY, POLYENDOCRINOPATHY, AND ENTEROPATHY, X-LINKED; Immune dysregulation-polyendocrinopathy-enteropathy-X-linked syndrome; Immunodysregulation, polyendocrinopathy, and enteropathy, X-linked; IPEX and IPEX-Like; X-Linked Autoimmunity-Allergic Dysregulation Syndrome; Immunodeficiency, Polyendocrinopathy, and Enteropathy X-Linked Syndrome. Identifiers: Orphanet 37042, MedGen C0342288, MONDO:0010580, OMIM 304790. Disease mechanism: loss of function.

Allele frequency attached by ClinVar (database versions not stated): gnomAD exomes 0.00001; ExAC 0.00002; gnomAD 0.00002; TOPMed 0.00002.

Submission:

Labcorp Genetics (formerly Invitae), Labcorp
Classification: Uncertain significance for Insulin-dependent diabetes mellitus secretory diarrhea syndrome. Last evaluated: 2025-11-15. Review status: criteria provided, single submitter. Criteria: Invitae Variant Classification Sherloc (09022015). Collection method: clinical testing. Allele origin: germline.
Comment: This sequence change replaces glycine, which is neutral and non-polar, with arginine, which is basic and polar, at codon 203 of the FOXP3 protein (p.Gly203Arg). This variant is present in population databases (rs782259487, gnomAD 0.008%). This variant has not been reported in the literature in individuals affected with FOXP3-related conditions. ClinVar contains an entry for this variant (Variation ID: 2893565). Invitae Evidence Modeling of protein sequence and biophysical properties (such as structural, functional, and spatial information, amino acid conservation, physicochemical variation, residue mobility, and thermodynamic stability) has been performed for this missense variant. However, the output from this modeling did not meet the statistical confidence thresholds required to predict the impact of this variant on FOXP3 protein function. In summary, the available evidence is currently insufficient to determine the role of this variant in disease. Therefore, it has been classified as a Variant of Uncertain Significance.